The following is an entry in ClinVar:

NM_013314.4(BLNK):c.1112T>C (p.Ile371Thr)

Genes: BLNK (B cell linker; minus strand), ZNF518A (zinc finger protein 518A; plus strand). Cytogenetic location: 10q24.1.
Variant type: single nucleotide variant.
Coding change: c.1112T>C on transcript NM_013314.4 (MANE Select); coding-DNA position 1112, T replaced by C.
Protein change: p.Ile371Thr; replaces isoleucine 371 with threonine.
Molecular consequence: missense variant. On other transcripts: non-coding transcript variant (3), intron variant (3).
Genome position (GRCh38, 1-based): chr10:96,197,047, A>G on the plus strand (T>C on the coding strand, the complement: BLNK is on the minus strand). VCF-style: chr10-96197047-A-G. GRCh37 (hg19) VCF-style: chr10-97956803-A-G.
Other names: c.1043T>C, p.Ile348Thr (NM_001114094.2); c.780+3028T>C (NM_001258442.2); c.1026+3028T>C (NM_001258441.2); c.1095+3028T>C (NM_001258440.2); short protein forms I348T, I371T.
Identifiers: ClinVar variation 2090295 (VCV002090295.4), dbSNP rs2492711078, ClinGen allele CA377716761.
Genomic context (GRCh38, chr10:96,197,047, plus strand): 5'-TTATTAAAGAATACAACTAGTGTATATGGTTGTTTGGAATCATGGCCAGAGCTTTTCCGA[A>G]TAAGAAATGATCCATCCTGTTTAATTTTTTTTAAAAAACATAATTATGGTTAGTATTACT-3'
Protein context (NP_037446.1, residues 361-381): HRSNKDGSFL[Ile371Thr]RKSSGHDSKQ

ClinVar aggregate classification (germline): Uncertain significance (1 of 4 stars; one submission).

Conditions:
Agammaglobulinemia 4, autosomal recessive (AGM4). Also called: AGAMMAGLOBULINEMIA, AUTOSOMAL RECESSIVE, DUE TO BLNK DEFECT; B cell linker protein deficiency. Identifiers: MedGen C3150752, MONDO:0013289, OMIM 613502.

Submission:

Labcorp Genetics (formerly Invitae), Labcorp
Classification: Uncertain significance for Agammaglobulinemia 4, autosomal recessive. Last evaluated: 2022-01-27. Review status: criteria provided, single submitter. Criteria: Invitae Variant Classification Sherloc (09022015). Collection method: clinical testing. Allele origin: germline.
Comment: In summary, the available evidence is currently insufficient to determine the role of this variant in disease. Therefore, it has been classified as a Variant of Uncertain Significance. Algorithms developed to predict the effect of missense changes on protein structure and function are either unavailable or do not agree on the potential impact of this missense change (SIFT: "Deleterious"; PolyPhen-2: "Possibly Damaging"; Align-GVGD: "Class C0"). This variant has not been reported in the literature in individuals affected with BLNK-related conditions. This variant is not present in population databases (gnomAD no frequency). This sequence change replaces isoleucine, which is neutral and non-polar, with threonine, which is neutral and polar, at codon 371 of the BLNK protein (p.Ile371Thr).